The following is an entry in ClinVar:

NM_000094.4(COL7A1):c.8333_8344del (p.Gly2778_Gly2781del)

Gene: COL7A1 (collagen type VII alpha 1 chain; minus strand). Cytogenetic location: 3p21.31.
Variant type: Deletion.
Coding change: c.8333_8344del on transcript NM_000094.4 (MANE Select); coding-DNA positions 8333 to 8344, 12 bases deleted (GCGAGAAGGGAG).
Protein change: p.Gly2778_Gly2781del.
Molecular consequence: inframe deletion.
Genome position (GRCh38, 1-based): chr3:48,566,524-48,566,535, CTCCCTTCTCGC deleted on the plus strand (GCGAGAAGGGAG on the coding strand, the reverse complement: COL7A1 is on the minus strand); deleting any 12 consecutive bases within chr3:48,566,524-48,566,538 gives the same sequence; the c. name uses the placement nearest the transcript's 3' end. VCF-style (leftmost placement, unchanged base first): chr3-48566523-TCTCCCTTCTCGC-T. GRCh37 (hg19) VCF-style: chr3-48603956-TCTCCCTTCTCGC-T.
Identifiers: ClinVar variation 2700010 (VCV002700010.3), dbSNP rs2530813048, ClinGen allele CA2697550897.

ClinVar aggregate classification (germline): Pathogenic (1 of 4 stars; one submission).

Submission:

Labcorp Genetics (formerly Invitae), Labcorp
Classification: Pathogenic. Last evaluated: 2023-06-09. Review status: criteria provided, single submitter. Criteria: Invitae Variant Classification Sherloc (09022015). Collection method: clinical testing. Allele origin: germline.
Comment: This variant is not present in population databases (gnomAD no frequency). For these reasons, this variant has been classified as Pathogenic. This variant disrupts a region of the COL7A1 protein in which other variant(s) (p.Gly2778Asp) have been determined to be pathogenic (PMID: 24252097). This suggests that this is a clinically significant region of the protein, and that variants that disrupt it are likely to be disease-causing. This variant has not been reported in the literature in individuals affected with COL7A1-related conditions. This variant, c.8333_8344del, results in the deletion of 4 amino acid(s) of the COL7A1 protein (p.Gly2778_Gly2781del), but otherwise preserves the integrity of the reading frame.

Literature cited by the submitters: PubMed 24252097.